The following is an entry in ClinVar:

ClinVar aggregate classification (germline): Uncertain significance (1 of 4 stars; one submission).

Conditions:
Hereditary cancer-predisposing syndrome. Also called: Neoplastic Syndromes, Hereditary; Tumor predisposition; Hereditary neoplastic syndrome; Hereditary Cancer Syndrome. Identifiers: Orphanet 140162, MedGen C0027672, MeSH D009386, MONDO:0015356.

Submission:

Ambry Genetics
Classification: Uncertain significance for Hereditary cancer-predisposing syndrome. Last evaluated: 2023-01-08. Review status: criteria provided, single submitter. Criteria: Ambry Variant Classification Scheme 2023. Collection method: clinical testing. Allele origin: germline.
Comment: The p.R606W variant (also known as c.1816A>T), located in coding exon 15 of the MRE11A gene, results from an A to T substitution at nucleotide position 1816. The arginine at codon 606 is replaced by tryptophan, an amino acid with dissimilar properties. This amino acid position is conserved. In addition, the in silico prediction for this alteration is inconclusive. Since supporting evidence is limited at this time, the clinical significance of this alteration remains unclear.

NM_005591.4(MRE11):c.1816A>T (p.Arg606Trp)

Gene: MRE11 (MRE11 double strand break repair nuclease; minus strand). Cytogenetic location: 11q21.
Variant type: single nucleotide variant.
Coding change: c.1816A>T on transcript NM_005591.4 (MANE Select); coding-DNA position 1816, A replaced by T.
Protein change: p.Arg606Trp; replaces arginine 606 with tryptophan.
Molecular consequence: missense variant. On other transcripts: intron variant (1).
Genome position (GRCh38, 1-based): chr11:94,445,861, T>A on the plus strand (A>T on the coding strand, the complement: MRE11 is on the minus strand). VCF-style: chr11-94445861-T-A. GRCh37 (hg19) VCF-style: chr11-94179027-T-A.
Other names: c.1813A>T, p.Arg605Trp (NM_001330347.2); c.1783+1358A>T (NM_005590.4); short protein forms R605W, R606W.
Identifiers: ClinVar variation 3224845 (VCV003224845.1), dbSNP rs2496280468, ClinGen allele CA382366717.
Genomic context (GRCh38, chr11:94,445,861, plus strand): 5'-TATACTCACCATCTATAATAGACATATTTCTAGATGCTGACACAGCAGTCTTTGAGTTCC[T>A]GCTACGGGTAGAAGTCTCCAGACCAGTGTCTGCTGTTAGAAAAATGAACAGTCAATGTAC-3'
Protein context (NP_005582.1, residues 596-616): DTGLETSTRS[Arg606Trp]NSKTAVSASR